The following is an entry in ClinVar:

NM_006231.4(POLE):c.77C>A (p.Thr26Asn)

Gene: POLE (DNA polymerase epsilon, catalytic subunit; minus strand). Cytogenetic location: 12q24.33.
Variant type: single nucleotide variant.
Coding change: c.77C>A on transcript NM_006231.4 (MANE Select); coding-DNA position 77, C replaced by A.
Protein change: p.Thr26Asn; replaces threonine 26 with asparagine.
Molecular consequence: missense variant.
Genome position (GRCh38, 1-based): chr12:132,681,265, G>T on the plus strand (C>A on the coding strand, the complement: POLE is on the minus strand). VCF-style: chr12-132681265-G-T. GRCh37 (hg19) VCF-style: chr12-133257851-G-T.
Other names: short protein forms T26N.
Identifiers: ClinVar variation 856812 (VCV000856812.9), dbSNP rs2043162143, ClinGen allele CA387370637.
Genomic context (GRCh38, chr12:132,681,265, plus strand): 5'-AAATCCATCTTATCCGTCCACTGACTCCGTTCCAGGCGCTTGAGTGCCGAAACTGAGGAA[G>T]TGGCGCCATCATCCCTGAGTGAAAGAAGGGAACCCCGTGCTTAATTTGTAATGCCACCTG-3'
Protein context (NP_006222.2, residues 16-36): DGEASRDDGA[Thr26Asn]SSVSALKRLE

ClinVar aggregate classification (germline): Uncertain significance (1 of 4 stars; one submission).

Submission:

Labcorp Genetics (formerly Invitae), Labcorp
Classification: Uncertain significance. Last evaluated: 2023-12-13. Review status: criteria provided, single submitter. Criteria: Invitae Variant Classification Sherloc (09022015). Collection method: clinical testing. Allele origin: germline.
Comment: This sequence change replaces threonine, which is neutral and polar, with asparagine, which is neutral and polar, at codon 26 of the POLE protein (p.Thr26Asn). This variant is not present in population databases (gnomAD no frequency). This variant has not been reported in the literature in individuals affected with POLE-related conditions. ClinVar contains an entry for this variant (Variation ID: 856812). Advanced modeling of protein sequence and biophysical properties (such as structural, functional, and spatial information, amino acid conservation, physicochemical variation, residue mobility, and thermodynamic stability) performed at Invitae indicates that this missense variant is not expected to disrupt POLE protein function with a negative predictive value of 80%. In summary, the available evidence is currently insufficient to determine the role of this variant in disease. Therefore, it has been classified as a Variant of Uncertain Significance.